The following is an entry in ClinVar:

NM_000283.4(PDE6B):c.2130-16C>A

Gene: PDE6B (phosphodiesterase 6B; plus strand). Cytogenetic location: 4p16.3.
Variant type: single nucleotide variant.
Coding change: c.2130-16C>A on transcript NM_000283.4 (MANE Select); 16 bases into the intron before coding-DNA position 2130, C replaced by A.
Molecular consequence: intron variant.
Genome position (GRCh38, 1-based): chr4:664,865, C>A. VCF-style: chr4-664865-C-A. GRCh37 (hg19) VCF-style: chr4-658654-C-A.
Other names: c.2130-16C>A (NM_001145291.2); c.1293-16C>A (NM_001379246.1, NM_001379247.1, NM_001145292.2 and 1 more transcripts); c.975-16C>A (NM_001350155.3).
Identifiers: ClinVar variation 1465260 (VCV001465260.8), dbSNP rs377216301, ClinGen allele CA2573138218.

ClinVar aggregate classification (germline): Uncertain significance (1 of 4 stars; one submission).

Submission:

Labcorp Genetics (formerly Invitae), Labcorp
Classification: Uncertain significance. Last evaluated: 2021-02-02. Review status: criteria provided, single submitter. Criteria: Invitae Variant Classification Sherloc (09022015). Collection method: clinical testing. Allele origin: germline.
Comment: In summary, the available evidence is currently insufficient to determine the role of this variant in disease. Therefore, it has been classified as a Variant of Uncertain Significance. Algorithms developed to predict the effect of sequence changes on RNA splicing suggest that this variant may create or strengthen a splice site, but this prediction has not been confirmed by published transcriptional studies. This variant has not been reported in the literature in individuals with PDE6B-related conditions. This variant is not present in population databases (ExAC no frequency). This sequence change falls in intron 17 of the PDE6B gene. It does not directly change the encoded amino acid sequence of the PDE6B protein.